The following is an entry in ClinVar:

ClinVar aggregate classification (germline): Uncertain significance. Review status: criteria provided, multiple submitters, no conflicts (2 of 4 stars). 2 submissions from 2 submitters: Uncertain significance (2). Last evaluated 2025-04-16.

Submissions (2):

Women's Health and Genetics/Laboratory Corporation of America, LabCorp
Classification: Uncertain significance. Last evaluated: 2025-04-16. Review status: criteria provided, single submitter. Criteria: LabCorp Variant Classification Summary - May 2015. Collection method: clinical testing. Allele origin: germline.
Comment: Variant summary: OBSL1 c.331_332delinsGG (p.Leu111Gly) results in a non-conservative amino acid change in the encoded protein sequence. Two of four in-silico tools predict a benign effect of the variant on protein function. The variant was absent in 57878 control chromosomes. The available data on variant occurrences in the general population are insufficient to allow any conclusion about variant significance. To our knowledge, no occurrence of c.331_332delinsGG in individuals affected with Three M Syndrome 2 and no experimental evidence demonstrating its impact on protein function have been reported. ClinVar contains an entry for this variant (Variation ID: 1396331). Based on the evidence outlined above, the variant was classified as uncertain significance.

Labcorp Genetics (formerly Invitae), Labcorp
Classification: Uncertain significance. Last evaluated: 2021-12-03. Review status: criteria provided, single submitter. Criteria: Invitae Variant Classification Sherloc (09022015). Collection method: clinical testing. Allele origin: germline.
Comment: In summary, the available evidence is currently insufficient to determine the role of this variant in disease. Therefore, it has been classified as a Variant of Uncertain Significance. Algorithms developed to predict the effect of missense changes on protein structure and function are either unavailable or do not agree on the potential impact of this missense change (SIFT: "Not Available"; PolyPhen-2: "Benign"; Align-GVGD: "Not Available"). This variant has not been reported in the literature in individuals affected with OBSL1-related conditions. Information on the frequency of this variant in the gnomAD database is not available, as this variant may be reported differently in the database. This sequence change replaces leucine, which is neutral and non-polar, with glycine, which is neutral and non-polar, at codon 111 of the OBSL1 protein (p.Leu111Gly).

NM_015311.3(OBSL1):c.331_332delinsGG (p.Leu111Gly)

Gene: OBSL1 (obscurin like cytoskeletal adaptor 1; minus strand). Cytogenetic location: 2q35.
Variant type: Indel.
Coding change: c.331_332delinsGG on transcript NM_015311.3 (MANE Select); coding-DNA positions 331 to 332, CT replaced by GG.
Protein change: p.Leu111Gly; replaces leucine 111 with glycine.
Molecular consequence: missense variant.
Genome position (GRCh38, 1-based): chr2:219,570,901-219,570,902, AG replaced by CC on the plus strand (CT replaced by GG on the coding strand, the reverse complement: OBSL1 is on the minus strand). VCF-style: chr2-219570901-AG-CC. GRCh37 (hg19) VCF-style: chr2-220435623-AG-CC.
Other names: c.331_332delinsGG, p.Leu111Gly (NM_001173408.2, NM_001173431.2); short protein forms L111G.
Identifiers: ClinVar variation 1396331 (VCV001396331.8), dbSNP rs2106118192, ClinGen allele CA2573135294.